The following is an entry in ClinVar:

NM_001375808.2(LPIN2):c.-9-186A>T

Gene: LPIN2 (lipin 2; minus strand). Cytogenetic location: 18p11.31.
Variant type: single nucleotide variant.
Coding change: c.-9-186A>T on transcript NM_001375808.2 (MANE Select); 186 bases into the intron before 9 bases upstream of the start codon, A replaced by T.
Molecular consequence: intron variant.
Genome position (GRCh38, 1-based): chr18:2,961,035, T>A on the plus strand (A>T on the coding strand, the complement: LPIN2 is on the minus strand). VCF-style: chr18-2961035-T-A. GRCh37 (hg19) VCF-style: chr18-2961033-T-A.
Other names: c.-9-186A>T (NM_014646.2, NM_001375809.1).
Identifiers: ClinVar variation 676922 (VCV000676922.1), dbSNP rs652587, ClinGen allele CA14506829.
Genomic context (GRCh38, chr18:2,961,035, plus strand): 5'-TAATTTTCAACCTAACAGTCTCATGCTACCATTGTTTCTACGCATTTCCACACACGGACC[T>A]CCCGAGACTATTCTCCTTTGTATCTGAGAGGCTGCTCCAGCCAGGGCCTGAGGCATTCCC-3'

ClinVar aggregate classification (germline): Benign (1 of 4 stars; one submission).

Allele frequency attached by ClinVar (database versions not stated): 1000 Genomes Project 0.49002; 1000 Genomes Project 30x 0.49703; TOPMed 0.56452; gnomAD 0.56849 and 0.57561.
gnomAD v4.1: 86,246 of 151,722 alleles (57%); highest among the groups gnomAD compares: Non-Finnish European, 62%; 25,016 homozygotes.

Submission:

GeneDx
Classification: Benign. Last evaluated: 2018-06-19. Review status: criteria provided, single submitter. Criteria: GeneDx Variant Classification (06012015). Collection method: clinical testing. Allele origin: germline. Affected: yes.
Comment: This variant is considered likely benign or benign based on one or more of the following criteria: it is a conservative change, it occurs at a poorly conserved position in the protein, it is predicted to be benign by multiple in silico algorithms, and/or has population frequency not consistent with disease.